The following is an entry in ClinVar:

NM_000038.6(APC):c.6814A>G (p.Arg2272Gly)

Gene: APC (APC regulator of Wnt signaling pathway; plus strand). Cytogenetic location: 5q22.2.
Variant type: single nucleotide variant.
Coding change: c.6814A>G on transcript NM_000038.6 (MANE Select); coding-DNA position 6814, A replaced by G.
Protein change: p.Arg2272Gly; replaces arginine 2272 with glycine.
Molecular consequence: missense variant.
Genome position (GRCh38, 1-based): chr5:112,842,408, A>G. VCF-style: chr5-112842408-A-G. GRCh37 (hg19) VCF-style: chr5-112178105-A-G.
Other names: c.6814A>G, p.Arg2272Gly (NM_001354895.2, NM_001127510.3); c.6868A>G, p.Arg2290Gly (NM_001354896.2); c.6844A>G, p.Arg2282Gly (NM_001354897.2); c.6730A>G, p.Arg2244Gly (NM_001354899.2); c.6691A>G, p.Arg2231Gly (NM_001354900.2); c.6739A>G, p.Arg2247Gly (NM_001354898.2); c.6637A>G, p.Arg2213Gly (NM_001354901.2); c.6541A>G, p.Arg2181Gly (NM_001354902.2); and 5 more; short protein forms R2254G, R2272G, R2231G, R1989G, R2282G, R2112G, R2146G, R2171G.
Identifiers: ClinVar variation 628662 (VCV000628662.25), dbSNP rs1561610453, ClinGen allele CA16036208.
Genomic context (GRCh38, chr5:112,842,408, plus strand): 5'-CCCCTTAAGACTCCAGCCTCCAAAAGCCCTAGTGAAGGTCAAACAGCCACCACTTCTCCT[A>G]GAGGAGCCAAGCCATCTGTGAAATCAGAATTAAGCCCTGTTGCCAGGCAGACATCCCAAA-3'
Protein context (NP_000029.2, residues 2262-2282): SEGQTATTSP[Arg2272Gly]GAKPSVKSEL

ClinVar aggregate classification (germline): Uncertain significance. Review status: criteria provided, multiple submitters, no conflicts (2 of 4 stars). 6 submissions from 6 submitters: Uncertain significance (6). Last evaluated 2026-01-21.

Conditions:
Hereditary cancer-predisposing syndrome. Also called: Neoplastic Syndromes, Hereditary; Tumor predisposition; Hereditary neoplastic syndrome; Hereditary Cancer Syndrome. Identifiers: Orphanet 140162, MedGen C0027672, MeSH D009386, MONDO:0015356.
APC-Associated Polyposis Disorders.
Familial adenomatous polyposis 1 (FAP1). Also called: POLYPOSIS, ADENOMATOUS INTESTINAL; FAMILIAL ADENOMATOUS POLYPOSIS 1, ATTENUATED. Identifiers: MedGen C2713442, MONDO:0021056, OMIM 175100. Disease mechanism: loss of function.

Allele frequency attached by ClinVar (database versions not stated): gnomAD exomes below 0.00001.
gnomAD v4.1: 7 of 1,614,084 alleles (0.00043%); highest among the groups gnomAD compares: South Asian, 0.0011%; no homozygotes.

Submissions (6):

Labcorp Genetics (formerly Invitae), Labcorp
Classification: Uncertain significance for Familial adenomatous polyposis 1. Last evaluated: 2026-01-21. Review status: criteria provided, single submitter. Criteria: Invitae Variant Classification Sherloc (09022015). Collection method: clinical testing. Allele origin: germline.
Comment: This sequence change replaces arginine, which is basic and polar, with glycine, which is neutral and non-polar, at codon 2272 of the APC protein (p.Arg2272Gly). This variant is not present in population databases (gnomAD no frequency). This variant has not been reported in the literature in individuals affected with APC-related conditions. ClinVar contains an entry for this variant (Variation ID: 628662). Invitae Evidence Modeling of protein sequence and biophysical properties (such as structural, functional, and spatial information, amino acid conservation, physicochemical variation, residue mobility, and thermodynamic stability) indicates that this missense variant is not expected to disrupt APC protein function with a negative predictive value of 95%. In summary, the available evidence is currently insufficient to determine the role of this variant in disease. Therefore, it has been classified as a Variant of Uncertain Significance.

Ambry Genetics
Classification: Uncertain significance for Hereditary cancer-predisposing syndrome. Last evaluated: 2024-03-29. Review status: criteria provided, single submitter. Criteria: Ambry Variant Classification Scheme 2023. Collection method: clinical testing. Allele origin: germline.
Comment: The p.R2272G variant (also known as c.6814A>G), located in coding exon 15 of the APC gene, results from an A to G substitution at nucleotide position 6814. The arginine at codon 2272 is replaced by glycine, an amino acid with dissimilar properties. This amino acid position is highly conserved in available vertebrate species. In addition, in silico predictors for this gene do not accurately predict pathogenicity. Since supporting evidence is limited at this time, the clinical significance of this alteration remains unclear.

Color Diagnostics, LLC DBA Color Health
Classification: Uncertain significance for Hereditary cancer-predisposing syndrome. Last evaluated: 2023-12-05. Review status: criteria provided, single submitter. Criteria: ACMG Guidelines, 2015. Collection method: clinical testing. Allele origin: germline.
Comment: This missense variant replaces arginine with glycine at codon 2272 of the APC protein. Computational prediction is inconclusive regarding the impact of this variant on protein structure and function (internally defined REVEL score threshold 0.5 < inconclusive < 0.7, PMID: 27666373). To our knowledge, functional studies have not been reported for this variant. This variant has not been reported in individuals affected with APC-related disorders in the literature. This variant has not been identified in the general population by the Genome Aggregation Database (gnomAD). The available evidence is insufficient to determine the role of this variant in disease conclusively. Therefore, this variant is classified as a Variant of Uncertain Significance.

GeneDx
Classification: Uncertain significance. Last evaluated: 2023-01-06. Review status: criteria provided, single submitter. Criteria: GeneDx Variant Classification Process June 2021. Collection method: clinical testing. Allele origin: germline. Affected: yes.
Comment: Not observed at significant frequency in large population cohorts (gnomAD); In silico analysis supports that this missense variant has a deleterious effect on protein structure/function; Has not been previously published as pathogenic or benign to our knowledge; This variant is associated with the following publications: (PMID: 18199528)

Mayo Clinic Laboratories, Mayo Clinic
Classification: Uncertain significance. Last evaluated: 2021-03-08. Review status: criteria provided, single submitter. Criteria: ACMG Guidelines, 2015. Collection method: clinical testing. Allele origin: germline. Observed: 1 variant allele.

Illumina Laboratory Services, Illumina
Classification: Uncertain significance for APC-Associated Polyposis Disorders. Last evaluated: 2018-01-12. Review status: criteria provided, single submitter. Criteria: ICSL Variant Classification Criteria 13 December 2019. Collection method: clinical testing. Allele origin: germline.